The following is an entry in ClinVar:

ClinVar aggregate classification (germline): Uncertain significance (1 of 4 stars; one submission).

Conditions:
Inborn genetic diseases. Identifiers: MedGen C0950123, MeSH D030342.

Allele frequency attached by ClinVar (database versions not stated): gnomAD exomes below 0.00001.
gnomAD v4.1: 1 of 1,614,178 alleles (0.000062%); highest among the groups gnomAD compares: Admixed American, 0.0017%; no homozygotes.

Submission:

Ambry Genetics
Classification: Uncertain significance for Inborn genetic diseases. Last evaluated: 2017-12-16. Review status: criteria provided, single submitter. Criteria: Ambry Variant Classification Scheme 2023. Collection method: clinical testing. Allele origin: germline.
Comment: The p.V160I variant (also known as c.478G>A), located in coding exon 3 of the ADNP gene, results from a G to A substitution at nucleotide position 478. The valine at codon 160 is replaced by isoleucine, an amino acid with highly similar properties. This amino acid position is well conserved in available vertebrate species; however, isoleucine is the reference amino acid in other vertebrate species. In addition, this alteration is predicted to be tolerated by in silico analysis. Since supporting evidence is limited at this time, the clinical significance of this alteration remains unclear.

NM_001282531.3(ADNP):c.478G>A (p.Val160Ile)

Gene: ADNP (activity dependent neuroprotector homeobox; minus strand). Cytogenetic location: 20q13.13.
Variant type: single nucleotide variant.
Coding change: c.478G>A on transcript NM_001282531.3 (MANE Select); coding-DNA position 478, G replaced by A.
Protein change: p.Val160Ile; replaces valine 160 with isoleucine.
Molecular consequence: missense variant.
Genome position (GRCh38, 1-based): chr20:50,894,236, C>T on the plus strand (G>A on the coding strand, the complement: ADNP is on the minus strand). VCF-style: chr20-50894236-C-T. GRCh37 (hg19) VCF-style: chr20-49510773-C-T.
Other names: c.478G>A, p.Val160Ile (NM_001282532.2, NM_001347511.2, NM_015339.5 and 1 more transcripts); short protein forms V160I.
Identifiers: ClinVar variation 1743096 (VCV001743096.2), dbSNP rs1246848193, ClinGen allele CA408977730.